The following is an entry in ClinVar:

NM_020778.5(ALPK3):c.-92CGG[6]

Gene: ALPK3 (alpha kinase 3; plus strand). Cytogenetic location: 15q25.3.
Variant type: Microsatellite.
Coding change: c.-92CGG[6] on transcript NM_020778.5 (MANE Select); six copies in a row of the 3-base unit CGG starting at c.-92; the reference has four copies in a row; two copies, 6 bases duplicated.
Molecular consequence: 5 prime UTR variant.
Genome position (GRCh38, 1-based): chr15:84,817,367-84,817,372, CGGCGG duplicated; duplicating any 6 consecutive bases within chr15:84,817,360-84,817,372 gives the same sequence; the position shown is the placement nearest the transcript's 3' end. VCF-style (leftmost placement, unchanged base first): chr15-84817359-A-AGCGGCG. GRCh37 (hg19) VCF-style: chr15-85360590-A-AGCGGCG.
Identifiers: ClinVar variation 4769292 (VCV004769292.1).

ClinVar aggregate classification (germline): Uncertain significance (1 of 4 stars; one submission).

Submission:

Labcorp Genetics (formerly Invitae), Labcorp
Classification: Uncertain significance. Last evaluated: 2025-06-22. Review status: criteria provided, single submitter. Criteria: Invitae Variant Classification Sherloc (09022015). Collection method: clinical testing. Allele origin: germline.
Comment: This variant, c.521_526dup, results in the insertion of 2 amino acid(s) of the ALPK3 protein (p.Ala174_Ala175dup), but otherwise preserves the integrity of the reading frame. This variant is not present in population databases (gnomAD no frequency). This variant has not been reported in the literature in individuals affected with ALPK3-related conditions. In summary, the available evidence is currently insufficient to determine the role of this variant in disease. Therefore, it has been classified as a Variant of Uncertain Significance.